The following is an entry in ClinVar:

NM_005045.4(RELN):c.8210G>A (p.Gly2737Glu)

Genes: RELN (reelin; minus strand), SLC26A5-AS1 (SLC26A5 antisense RNA 1; plus strand). Cytogenetic location: 7q22.1.
Variant type: single nucleotide variant.
Coding change: c.8210G>A on transcript NM_005045.4 (MANE Select); coding-DNA position 8210, G replaced by A.
Protein change: p.Gly2737Glu; replaces glycine 2737 with glutamic acid.
Molecular consequence: missense variant.
Genome position (GRCh38, 1-based): chr7:103,510,915, C>T on the plus strand (G>A on the coding strand, the complement: RELN is on the minus strand). VCF-style: chr7-103510915-C-T. GRCh37 (hg19) VCF-style: chr7-103151362-C-T.
Other names: c.8210G>A, p.Gly2737Glu (NM_173054.3); short protein forms G2737E.
Identifiers: ClinVar variation 3750951 (VCV003750951.2).

ClinVar aggregate classification (germline): Uncertain significance (1 of 4 stars; one submission).

Conditions:
Familial temporal lobe epilepsy 7. Identifiers: Orphanet 101046, MedGen C4225327, MONDO:0014639, OMIM 616436.
Norman-Roberts syndrome (LIS2). Also called: Lissencephaly 2 (Norman-Roberts type). Identifiers: Orphanet 89844, MedGen C0796089, MONDO:0009760, OMIM 257320.

gnomAD v4.1: 3 of 1,613,152 alleles (0.00019%); highest among the groups gnomAD compares: Non-Finnish European, 0.00025%; no homozygotes.

Submission:

Labcorp Genetics (formerly Invitae), Labcorp
Classification: Uncertain significance for Familial temporal lobe epilepsy 7; Norman-Roberts syndrome. Last evaluated: 2024-05-14. Review status: criteria provided, single submitter. Criteria: Invitae Variant Classification Sherloc (09022015). Collection method: clinical testing. Allele origin: germline.
Comment: This sequence change replaces glycine, which is neutral and non-polar, with glutamic acid, which is acidic and polar, at codon 2737 of the RELN protein (p.Gly2737Glu). This variant is present in population databases (rs768028730, gnomAD 0.0009%). This variant has not been reported in the literature in individuals affected with RELN-related conditions. Advanced modeling of protein sequence and biophysical properties (such as structural, functional, and spatial information, amino acid conservation, physicochemical variation, residue mobility, and thermodynamic stability) performed at Invitae indicates that this missense variant is not expected to disrupt RELN protein function with a negative predictive value of 80%. In summary, the available evidence is currently insufficient to determine the role of this variant in disease. Therefore, it has been classified as a Variant of Uncertain Significance.